The following is an entry in ClinVar:

NM_002473.6(MYH9):c.3561C>A (p.Ile1187=)

Gene: MYH9 (myosin heavy chain 9; minus strand). Cytogenetic location: 22q12.3.
Variant type: single nucleotide variant.
Coding change: c.3561C>A on transcript NM_002473.6 (MANE Select); coding-DNA position 3561, C replaced by A.
Protein change: p.Ile1187=; no amino-acid change (isoleucine 1187 retained).
Molecular consequence: synonymous variant.
Genome position (GRCh38, 1-based): chr22:36,295,001, G>T on the plus strand (C>A on the coding strand, the complement: MYH9 is on the minus strand). VCF-style: chr22-36295001-G-T. GRCh37 (hg19) VCF-style: chr22-36691047-G-T.
Identifiers: ClinVar variation 227608 (VCV000227608.8), dbSNP rs876657520, ClinGen allele CA10577137.

ClinVar aggregate classification (germline): Conflicting classifications of pathogenicity. Review status: criteria provided, conflicting classifications (1 of 4 stars). 3 submissions from 2 submitters: Uncertain significance (2); Likely benign (1). Last evaluated 2018-01-12.

Conditions:
MYH9-related disorder. Identifiers: MedGen C1854520.
Autosomal dominant nonsyndromic hearing loss 17. Also called: Autosomal dominant nonsyndromic deafness 17; Deafness, autosomal dominant 17. Identifiers: Orphanet 90635, MedGen C1863659, MONDO:0011350, OMIM 603622.

Allele frequency attached by ClinVar (database versions not stated): gnomAD exomes below 0.00001; TOPMed below 0.00001; gnomAD 0.00001.
gnomAD v4.1: 12 of 1,614,070 alleles (0.00074%); highest among the groups gnomAD compares: Non-Finnish European, 0.00093%; no homozygotes.

Submissions (3):

Illumina Laboratory Services, Illumina
Classification: Uncertain significance for MYH9-related disorder. Last evaluated: 2018-01-12. Review status: criteria provided, single submitter. Criteria: ICSL Variant Classification Criteria 13 December 2019. Collection method: clinical testing. Allele origin: germline.

Illumina Laboratory Services, Illumina
Classification: Uncertain significance for Autosomal dominant nonsyndromic hearing loss 17. Last evaluated: 2018-01-12. Review status: criteria provided, single submitter. Criteria: ICSL Variant Classification Criteria 13 December 2019. Collection method: clinical testing. Allele origin: germline.

Laboratory for Molecular Medicine, Mass General Brigham Personalized Medicine
Classification: Likely benign. Last evaluated: 2016-01-15. Review status: criteria provided, single submitter. Criteria: LMM Criteria. Collection method: clinical testing. Allele origin: germline. Observed: 1 variant allele.
Comment: p.Ile1187Ile in exon 27 of MYH9: This variant is not expected to have clinical s ignificance because it does not alter an amino acid residue and is not located w ithin the splice consensus sequence.